The following is an entry in ClinVar:

NM_001042492.3(NF1):c.7315T>A (p.Leu2439Ile)

Gene: NF1 (neurofibromin 1; plus strand). Cytogenetic location: 17q11.2.
Variant type: single nucleotide variant.
Coding change: c.7315T>A on transcript NM_001042492.3 (MANE Select); coding-DNA position 7315, T replaced by A.
Protein change: p.Leu2439Ile; replaces leucine 2439 with isoleucine.
Molecular consequence: missense variant.
Genome position (GRCh38, 1-based): chr17:31,349,245, T>A. VCF-style: chr17-31349245-T-A. GRCh37 (hg19) VCF-style: chr17-29676263-T-A.
Other names: c.7252T>A, p.Leu2418Ile (NM_000267.4); short protein forms L2418I, L2439I.
Identifiers: ClinVar variation 826933 (VCV000826933.4), dbSNP rs1597858629, ClinGen allele CA399016916.
Genomic context (GRCh38, chr17:31,349,245, plus strand): 5'-CTGGTTAACAAACACAGAAATTGTGACAAATTTGAAGTGAATACACAGAGCGTGGCCTAC[T>A]TAGCAGGTAAAAACACAAAATAAACAAAATTAATCTTGCTACATCTATATATAAGGATCA-3'
Protein context (NP_001035957.1, residues 2429-2449): FEVNTQSVAY[Leu2439Ile]AALLTVSEEV

ClinVar aggregate classification (germline): Uncertain significance (1 of 4 stars; one submission).

Conditions:
Hereditary cancer-predisposing syndrome. Also called: Neoplastic Syndromes, Hereditary; Tumor predisposition; Hereditary neoplastic syndrome; Hereditary Cancer Syndrome. Identifiers: Orphanet 140162, MedGen C0027672, MeSH D009386, MONDO:0015356.
Cardiovascular phenotype. Identifiers: MedGen CN230736.

Submission:

Ambry Genetics
Classification: Uncertain significance for Cardiovascular phenotype; Hereditary cancer-predisposing syndrome. Last evaluated: 2019-09-03. Review status: criteria provided, single submitter. Criteria: Ambry Variant Classification Scheme 2023. Collection method: clinical testing. Allele origin: germline.
Comment: The p.L2418I variant (also known as c.7252T>A), located in coding exon 48 of the NF1 gene, results from a T to A substitution at nucleotide position 7252. The leucine at codon 2418 is replaced by isoleucine, an amino acid with highly similar properties. This amino acid position is well conserved in available vertebrate species. In addition, this alteration is predicted to be tolerated by in silico analysis. Since supporting evidence is limited at this time, the clinical significance of this alteration remains unclear.